The following is an entry in ClinVar:

NM_006186.4(NR4A2):c.530_532del (p.Ser177del)

Gene: NR4A2 (nuclear receptor subfamily 4 group A member 2; minus strand). Cytogenetic location: 2q24.1.
Variant type: Deletion.
Coding change: c.530_532del on transcript NM_006186.4 (MANE Select); coding-DNA positions 530 to 532, 3 bases deleted (CCT; older notation c.530_532delCCT).
Protein change: p.Ser177del; deletes serine 177.
Molecular consequence: inframe deletion.
Genome position (GRCh38, 1-based): chr2:156,329,655-156,329,657, AGG deleted on the plus strand (CCT on the coding strand, the reverse complement: NR4A2 is on the minus strand); deleting any 3 consecutive bases within chr2:156,329,655-156,329,659 gives the same sequence; the c. name uses the placement nearest the transcript's 3' end. VCF-style (leftmost placement, unchanged base first): chr2-156329654-AAGG-A. GRCh37 (hg19) VCF-style: chr2-157186166-AAGG-A.
Other names: c.341_343del, p.Ser114del (NM_173173.3); short protein forms S114del, S177del.
Identifiers: ClinVar variation 4975238 (VCV004975238.1).

ClinVar aggregate classification (germline): Uncertain significance (1 of 4 stars; one submission).

Submission:

GeneDx
Classification: Uncertain significance. Last evaluated: 2026-01-24. Review status: criteria provided, single submitter. Criteria: GeneDx Variant Classification Process June 2021. Collection method: clinical testing. Allele origin: germline.
Comment: Not observed at significant frequency in large population cohorts (gnomAD); In-frame deletion of 1 amino acid(s) in a non-repeat region; In silico analysis supports a deleterious effect on protein structure/function; Has not been previously published as pathogenic or benign to our knowledge